The following is an entry in ClinVar:

NM_000038.6(APC):c.4696G>A (p.Asp1566Asn)

Gene: APC (APC regulator of Wnt signaling pathway; plus strand). Cytogenetic location: 5q22.2.
Variant type: single nucleotide variant.
Coding change: c.4696G>A on transcript NM_000038.6 (MANE Select); coding-DNA position 4696, G replaced by A.
Protein change: p.Asp1566Asn; replaces aspartic acid 1566 with asparagine.
Molecular consequence: missense variant. On other transcripts: non-coding transcript variant (2).
Genome position (GRCh38, 1-based): chr5:112,840,290, G>A. VCF-style: chr5-112840290-G-A. GRCh37 (hg19) VCF-style: chr5-112175987-G-A.
Other names: c.4696G>A, p.Asp1566Asn (NM_001127510.3, NM_001354895.2, NM_001407450.1); c.4642G>A, p.Asp1548Asn (NM_001127511.3); c.4750G>A, p.Asp1584Asn (NM_001354896.2, NM_001407447.1, NM_001407448.1 and 1 more transcripts); c.4726G>A, p.Asp1576Asn (NM_001354897.2); c.4621G>A, p.Asp1541Asn (NM_001354898.2); c.4612G>A, p.Asp1538Asn (NM_001354899.2); c.4573G>A, p.Asp1525Asn (NM_001354900.2); c.4519G>A, p.Asp1507Asn (NM_001354901.2, NM_001407453.1); and 12 more; short protein forms D1483N, D1507N, D1538N, D1541N, D1556N, D1566N, D1283N, D1406N.
Identifiers: ClinVar variation 2791574 (VCV002791574.4), dbSNP rs1554086111, ClinGen allele CA16031626.

ClinVar aggregate classification (germline): Uncertain significance. Review status: criteria provided, multiple submitters, no conflicts (2 of 4 stars). 2 submissions from 2 submitters: Uncertain significance (2). Last evaluated 2025-03-27.

Conditions:
Hereditary cancer-predisposing syndrome. Also called: Hereditary Cancer Syndrome; Neoplastic Syndromes, Hereditary; Tumor predisposition; Hereditary neoplastic syndrome. Identifiers: Orphanet 140162, MedGen C0027672, MeSH D009386, MONDO:0015356.
Familial adenomatous polyposis 1 (FAP1). Also called: FAMILIAL ADENOMATOUS POLYPOSIS 1, ATTENUATED; POLYPOSIS, ADENOMATOUS INTESTINAL. Identifiers: MedGen C2713442, MONDO:0021056, OMIM 175100. Disease mechanism: loss of function.

Allele frequency attached by ClinVar (database versions not stated): TOPMed below 0.00001.

Submissions (2):

Ambry Genetics
Classification: Uncertain significance for Hereditary cancer-predisposing syndrome. Last evaluated: 2025-03-27. Review status: criteria provided, single submitter. Criteria: Ambry Variant Classification Scheme 2023. Collection method: clinical testing. Allele origin: germline.
Comment: The p.D1566N variant (also known as c.4696G>A), located in coding exon 15 of the APC gene, results from a G to A substitution at nucleotide position 4696. The aspartic acid at codon 1566 is replaced by asparagine, an amino acid with highly similar properties. This amino acid position is conserved. In addition, in silico predictors for this gene do not accurately predict pathogenicity. Based on the available evidence, the clinical significance of this variant remains unclear.

Labcorp Genetics (formerly Invitae), Labcorp
Classification: Uncertain significance for Familial adenomatous polyposis 1. Last evaluated: 2023-09-21. Review status: criteria provided, single submitter. Criteria: Invitae Variant Classification Sherloc (09022015). Collection method: clinical testing. Allele origin: germline.
Comment: In summary, the available evidence is currently insufficient to determine the role of this variant in disease. Therefore, it has been classified as a Variant of Uncertain Significance. Advanced modeling of protein sequence and biophysical properties (such as structural, functional, and spatial information, amino acid conservation, physicochemical variation, residue mobility, and thermodynamic stability) performed at Invitae indicates that this missense variant is not expected to disrupt APC protein function. This variant has not been reported in the literature in individuals affected with APC-related conditions. This variant is not present in population databases (gnomAD no frequency). This sequence change replaces aspartic acid, which is acidic and polar, with asparagine, which is neutral and polar, at codon 1566 of the APC protein (p.Asp1566Asn).